The following is an entry in ClinVar:

NM_004187.5(KDM5C):c.1126T>G (p.Cys376Gly)

Gene: KDM5C (lysine demethylase 5C; minus strand). Cytogenetic location: Xp11.22.
Variant type: single nucleotide variant.
Coding change: c.1126T>G on transcript NM_004187.5 (MANE Select); coding-DNA position 1126, T replaced by G.
Protein change: p.Cys376Gly; replaces cysteine 376 with glycine.
Molecular consequence: missense variant. On other transcripts: non-coding transcript variant (3).
Genome position (GRCh38, 1-based): chrX:53,211,903, A>C on the plus strand (T>G on the coding strand, the complement: KDM5C is on the minus strand). VCF-style: chrX-53211903-A-C. GRCh37 (hg19) VCF-style: chrX-53241085-A-C.
Other names: c.925T>G, p.Cys309Gly (NM_001146702.2); c.1123T>G, p.Cys375Gly (NM_001282622.3, NM_001353979.2, NM_001353982.2); c.1126T>G, p.Cys376Gly (NM_001353978.3, NM_001353981.2, NM_001353984.2); short protein forms C309G, C375G, C376G.
Identifiers: ClinVar variation 2505177 (VCV002505177.1), dbSNP rs2519517916, ClinGen allele CA413131098.

ClinVar aggregate classification (germline): Uncertain significance (1 of 4 stars; one submission).

Submission:

Greenwood Genetic Center Diagnostic Laboratories, Greenwood Genetic Center
Classification: Uncertain significance. Last evaluated: 2023-02-16. Review status: criteria provided, single submitter. Criteria: ACMG Guidelines, 2015. Collection method: clinical testing. Allele origin: germline. Affected: yes.
Comment: PM2, PP2, PP3